The following is an entry in ClinVar:

NM_001206927.2(DNAH8):c.12794C>T (p.Pro4265Leu)

Gene: DNAH8 (dynein axonemal heavy chain 8; plus strand). Cytogenetic location: 6p21.2.
Variant type: single nucleotide variant.
Coding change: c.12794C>T on transcript NM_001206927.2 (MANE Select); coding-DNA position 12794, C replaced by T.
Protein change: p.Pro4265Leu; replaces proline 4265 with leucine.
Molecular consequence: missense variant.
Genome position (GRCh38, 1-based): chr6:38,974,489, C>T. VCF-style: chr6-38974489-C-T. GRCh37 (hg19) VCF-style: chr6-38942265-C-T.
Other names: c.12143C>T, p.Pro4048Leu (NM_001371.4); short protein forms P4265L, P4048L.
Identifiers: ClinVar variation 567861 (VCV000567861.20), dbSNP rs371913220, ClinGen allele CA3791460.
Genomic context (GRCh38, chr6:38,974,489, plus strand): 5'-GAACATTTGCTGGAATTAATCAAGACCTTCTGGACATCAGTAATTTACCCATGTGGAAGC[C>T]GATGCTTTACACAGTAGCATTTTTACACTCCACTGTGCAGGTAACTGCAGAAAGCAGTTT-3'
Protein context (NP_001193856.1, residues 4255-4275): LDISNLPMWK[Pro4265Leu]MLYTVAFLHS

ClinVar aggregate classification (germline): Uncertain significance (1 of 4 stars; one submission).

Conditions:
Primary ciliary dyskinesia. Also called: Ciliary dyskinesia. Identifiers: Orphanet 244, MedGen C0008780, MONDO:0016575, HP:0012265.

Allele frequency attached by ClinVar (database versions not stated): gnomAD exomes 0.00001 and 0.00002; ExAC 0.00002; gnomAD 0.00002; TOPMed 0.00004; ESP Exome Variant Server 0.00015.
gnomAD v4.1: 23 of 1,613,778 alleles (0.0014%); highest among the groups gnomAD compares: South Asian, 0.0088%; no homozygotes.

Submission:

Labcorp Genetics (formerly Invitae), Labcorp
Classification: Uncertain significance for Primary ciliary dyskinesia. Last evaluated: 2025-08-08. Review status: criteria provided, single submitter. Criteria: Invitae Variant Classification Sherloc (09022015). Collection method: clinical testing. Allele origin: germline.
Comment: This sequence change replaces proline, which is neutral and non-polar, with leucine, which is neutral and non-polar, at codon 4265 of the DNAH8 protein (p.Pro4265Leu). This variant is present in population databases (rs371913220, gnomAD 0.01%). This variant has not been reported in the literature in individuals affected with DNAH8-related conditions. ClinVar contains an entry for this variant (Variation ID: 567861). Invitae Evidence Modeling of protein sequence and biophysical properties (such as structural, functional, and spatial information, amino acid conservation, physicochemical variation, residue mobility, and thermodynamic stability) indicates that this missense variant is not expected to disrupt DNAH8 protein function with a negative predictive value of 80%. In summary, the available evidence is currently insufficient to determine the role of this variant in disease. Therefore, it has been classified as a Variant of Uncertain Significance.